The following is an entry in ClinVar:

ClinVar aggregate classification (germline): Pathogenic (1 of 4 stars; one submission).

Conditions:
Osteogenesis imperfecta type I (OI1). Also called: OI, TYPE I; OSTEOGENESIS IMPERFECTA TARDA; OSTEOGENESIS IMPERFECTA WITH BLUE SCLERAE; Osteogenesis imperfecta type 1; Lobstein's Disease; Lobstein disease. Identifiers: Orphanet 216796, Orphanet 666, MedGen C0023931, MONDO:0008146, OMIM 166200. Disease mechanism: loss of function.

Submission:

Labcorp Genetics (formerly Invitae), Labcorp
Classification: Pathogenic for Osteogenesis imperfecta type I. Last evaluated: 2023-03-01. Review status: criteria provided, single submitter. Criteria: Invitae Variant Classification Sherloc (09022015). Collection method: clinical testing. Allele origin: germline.
Comment: This sequence change creates a premature translational stop signal (p.Gly1181Argfs*39) in the COL1A1 gene. It is expected to result in an absent or disrupted protein product. Loss-of-function variants in COL1A1 are known to be pathogenic (PMID: 7942841, 9295084, 9443882). For these reasons, this variant has been classified as Pathogenic. ClinVar contains an entry for this variant (Variation ID: 456772). This premature translational stop signal has been observed in individual(s) with COL1A1-related conditions (PMID: 26138843). This variant is not present in population databases (gnomAD no frequency).

Literature cited by the submitters: PubMed 7942841; PubMed 9295084; PubMed 9443882; PubMed 26138843.

NM_000088.4(COL1A1):c.3540dup (p.Gly1181fs)

Gene: COL1A1 (collagen type I alpha 1 chain; minus strand). Cytogenetic location: 17q21.33.
Variant type: Duplication.
Coding change: c.3540dup on transcript NM_000088.4 (MANE Select); coding-DNA position 3540, one base duplicated (C; older notation c.3540dupC).
Protein change: p.Gly1181fs; shifts the reading frame from glycine 1181.
Molecular consequence: frameshift variant.
Genome position (GRCh38, 1-based): chr17:50,186,914, G duplicated on the plus strand (C on the coding strand, the reverse complement: COL1A1 is on the minus strand); the first of 6 consecutive G bases (chr17:50,186,914-50,186,919); duplicating any one gives the same sequence. VCF-style (leftmost placement, unchanged base first): chr17-50186913-C-CG. GRCh37 (hg19) VCF-style: chr17-48264274-C-CG.
Other names: c.3540dupC (NM_000088.3); short protein forms G1181fs.
Identifiers: ClinVar variation 456772 (VCV000456772.11), dbSNP rs1555571874, ClinGen allele CA658656694.